The following is an entry in ClinVar:

NM_024675.4(PALB2):c.3085_3092del (p.Thr1029fs)

Gene: PALB2 (partner and localizer of BRCA2; minus strand). Cytogenetic location: 16p12.2.
Variant type: Deletion.
Coding change: c.3085_3092del on transcript NM_024675.4 (MANE Select); coding-DNA positions 3085 to 3092, 8 bases deleted (ACTACTAT; older notation c.3085_3092delACTACTAT).
Protein change: p.Thr1029fs; shifts the reading frame from threonine 1029.
Molecular consequence: frameshift variant.
Genome position (GRCh38, 1-based): chr16:23,621,383-23,621,390, ATAGTAGT deleted on the plus strand (ACTACTAT on the coding strand, the reverse complement: PALB2 is on the minus strand); deleting any 8 consecutive bases within chr16:23,621,383-23,621,391 gives the same sequence; the c. name uses the placement nearest the transcript's 3' end. VCF-style (leftmost placement, unchanged base first): chr16-23621382-AATAGTAGT-A. GRCh37 (hg19) VCF-style: chr16-23632703-AATAGTAGT-A.
Other names: c.3085_3092delACTACTAT (NM_024675.3); short protein forms T1029fs.
Identifiers: ClinVar variation 628797 (VCV000628797.5), dbSNP rs1567212825, ClinGen allele CA913188698.
Genomic context (GRCh38, chr16:23,621,382, plus strand): 5'-CTACAGATGAGGGAACTGAGGACCTAGAGGGAAAGCTTACCAAATAACAATGTTGTTCAT[AATAGTAGT>A]ACCAAGCAGAGCTTCTTGCATCCCTTGGACCTCAGCAAAAGTTAGTATAGTCTCCTCAGG-3'

ClinVar aggregate classification (germline): Pathogenic. Review status: criteria provided, multiple submitters, no conflicts (2 of 4 stars). 2 submissions from 2 submitters: Pathogenic (2). Last evaluated 2025-02-11.

Conditions:
Hereditary cancer-predisposing syndrome. Also called: Neoplastic Syndromes, Hereditary; Tumor predisposition; Hereditary neoplastic syndrome; Hereditary Cancer Syndrome. Identifiers: Orphanet 140162, MedGen C0027672, MeSH D009386, MONDO:0015356.

Submissions (2):

Ambry Genetics
Classification: Pathogenic for Hereditary cancer-predisposing syndrome. Last evaluated: 2025-02-11. Review status: criteria provided, single submitter. Criteria: Ambry Variant Classification Scheme 2023. Collection method: clinical testing. Allele origin: germline.
Comment: The c.3085_3092delACTACTAT pathogenic mutation, located in coding exon 10 of the PALB2 gene, results from a deletion of 8 nucleotides at nucleotide positions 3085 to 3092, causing a translational frameshift with a predicted alternate stop codon (p.T1029Yfs*21). This variant is considered to be rare based on population cohorts in the Genome Aggregation Database (gnomAD). This alteration is expected to result in loss of function by premature protein truncation or nonsense-mediated mRNA decay. As such, this alteration is interpreted as a disease-causing mutation.

Color Diagnostics, LLC DBA Color Health
Classification: Pathogenic for Hereditary cancer-predisposing syndrome. Last evaluated: 2020-01-15. Review status: criteria provided, single submitter. Criteria: ACMG Guidelines, 2015. Collection method: clinical testing. Allele origin: germline.
Comment: This variant deletes 8 nucleotides in exon 10 of the PALB2 gene, creating a frameshift and premature translation stop signal. This variant is expected to result in an absent or non-functional protein product. This variant has not been identified in the general population by the Genome Aggregation Database (gnomAD). Loss of PALB2 function is a known mechanism of disease. Based on the available evidence, this variant is classified as Pathogenic.